The following is an entry in ClinVar:

ClinVar aggregate classification (germline): Likely benign (0 of 4 stars; one submission).

Conditions:
SEMA3E-related disorder. Also called: SEMA3E-related condition.

gnomAD v4.1: 1 of 1,614,060 alleles (0.000062%); highest among the groups gnomAD compares: Admixed American, 0.0017%; no homozygotes.

Submission:

PreventionGenetics, part of Exact Sciences
Classification: Likely benign for SEMA3E-related condition. Last evaluated: 2022-06-07. Review status: no assertion criteria provided. Collection method: clinical testing. Allele origin: germline.
Comment: This variant is classified as likely benign based on ACMG/AMP sequence variant interpretation guidelines (Richards et al. 2015 PMID: 25741868, with internal and published modifications).

NM_012431.3(SEMA3E):c.2223G>A (p.Lys741=)

Gene: SEMA3E (semaphorin 3E; minus strand). Cytogenetic location: 7q21.11.
Variant type: single nucleotide variant.
Coding change: c.2223G>A on transcript NM_012431.3 (MANE Select); coding-DNA position 2223, G replaced by A.
Protein change: p.Lys741=; no amino-acid change (lysine 741 retained).
Molecular consequence: synonymous variant.
Genome position (GRCh38, 1-based): chr7:83,367,691, C>T on the plus strand (G>A on the coding strand, the complement: SEMA3E is on the minus strand). VCF-style: chr7-83367691-C-T. GRCh37 (hg19) VCF-style: chr7-82997007-C-T.
Other names: c.2043G>A, p.Lys681= (NM_001178129.2).
Identifiers: ClinVar variation 3044633 (VCV003044633.2), dbSNP rs1366882310, ClinGen allele CA456344068.